The following is an entry in ClinVar:

NM_206933.4(USH2A):c.12889T>C (p.Ser4297Pro)

Gene: USH2A (usherin; minus strand). Cytogenetic location: 1q41.
Variant type: single nucleotide variant.
Coding change: c.12889T>C on transcript NM_206933.4 (MANE Select); coding-DNA position 12889, T replaced by C.
Protein change: p.Ser4297Pro; replaces serine 4297 with proline.
Molecular consequence: missense variant.
Genome position (GRCh38, 1-based): chr1:215,675,022, A>G on the plus strand (T>C on the coding strand, the complement: USH2A is on the minus strand). VCF-style: chr1-215675022-A-G. GRCh37 (hg19) VCF-style: chr1-215848364-A-G.
Other names: short protein forms S4297P.
Identifiers: ClinVar variation 444196 (VCV000444196.55), dbSNP rs1553252463, ClinGen allele CA344848454.

ClinVar aggregate classification (germline): Uncertain significance. Review status: criteria provided, multiple submitters, no conflicts (2 of 4 stars). 7 submissions from 6 submitters: Uncertain significance (6). 1 of the submissions does not count toward it. Last evaluated 2025-11-26.

Conditions:
USH2A-related disorder. Also called: USH2A-related condition; USH2A-related disorders. Identifiers: MedGen CN239332.
Retinitis pigmentosa 39 (RP39). Identifiers: Orphanet 791, MedGen C3151138, MONDO:0013436, OMIM 613809.
Usher syndrome type 2A. Also called: USHER SYNDROME, TYPE IIA; RETINAL DISEASE IN USHER SYNDROME TYPE IIA, MODIFIER OF. Identifiers: Orphanet 231178, Orphanet 886, MedGen C1848634, MONDO:0010169, OMIM 276901.

Submissions (7):

Myriad Genetics, Inc.
Classification: Uncertain significance for USH2A-related disorder. Last evaluated: 2025-11-26. Review status: criteria provided, single submitter. Criteria: Myriad Autosomal Dominant, Autosomal Recessive and X-Linked Classification Criteria (2023). Collection method: clinical testing. Allele origin: unknown.
Comment: NM_206933.2(USH2A):c.12889T>C(S4297P) is a missense variant classified as a variant of uncertain significance in the context of USH2A-related disorders. S4297P has been observed in cases with relevant disease (PMID: 37734845, 39462066). Relevant functional assessments of this variant are not available in the literature. S4297P has not been observed in referenced population frequency databases. In summary, there is insufficient evidence to classify NM_206933.2(USH2A):c.12889T>C(S4297P) as pathogenic or benign. Please note: this variant was assessed in the context of healthy population screening.

Genome-Nilou Lab
Classification: Uncertain significance for Retinitis pigmentosa 39. Last evaluated: 2023-11-04. Review status: criteria provided, single submitter. Criteria: ACMG Guidelines, 2015. Collection method: clinical testing. Allele origin: germline. Affected: no.

Genome-Nilou Lab
Classification: Uncertain significance for Usher syndrome type 2A. Last evaluated: 2023-11-04. Review status: criteria provided, single submitter. Criteria: ACMG Guidelines, 2015. Collection method: clinical testing. Allele origin: germline. Affected: no.

Labcorp Genetics (formerly Invitae), Labcorp
Classification: Uncertain significance. Last evaluated: 2023-07-17. Review status: criteria provided, single submitter. Criteria: Invitae Variant Classification Sherloc (09022015). Collection method: clinical testing. Allele origin: germline.
Comment: In summary, the available evidence is currently insufficient to determine the role of this variant in disease. Therefore, it has been classified as a Variant of Uncertain Significance. Advanced modeling of protein sequence and biophysical properties (such as structural, functional, and spatial information, amino acid conservation, physicochemical variation, residue mobility, and thermodynamic stability) performed at Invitae indicates that this missense variant is not expected to disrupt USH2A protein function. ClinVar contains an entry for this variant (Variation ID: 444196). This variant has not been reported in the literature in individuals affected with USH2A-related conditions. This variant is not present in population databases (gnomAD no frequency). This sequence change replaces serine, which is neutral and polar, with proline, which is neutral and non-polar, at codon 4297 of the USH2A protein (p.Ser4297Pro).

MGZ Medical Genetics Center
Classification: Uncertain significance for Usher syndrome type 2A. Last evaluated: 2022-07-21. Review status: criteria provided, single submitter. Criteria: ACMG Guidelines, 2015. Collection method: clinical testing. Allele origin: germline. Affected: yes. Observed: 1 variant allele.
Comment: ACMG criteria applied: PM2_SUP, PM3_SUP

CeGaT Center for Human Genetics Tuebingen
Classification: Uncertain significance. Last evaluated: 2017-07-01. Review status: criteria provided, single submitter. Criteria: CeGaT Center For Human Genetics Tuebingen Variant Classification Criteria Version 2. Collection method: clinical testing. Allele origin: germline. Affected: yes. Observed: 1 variant allele.

Institute of Human Genetics, Univ. Regensburg, Univ. Regensburg
Classification: Likely pathogenic for Usher syndrome type 2A. Last evaluated: 2021-01-01. Review status: no assertion criteria provided. Criteria: ACMG Guidelines, 2015. Collection method: clinical testing. Allele origin: germline. Affected: yes. Not counted in ClinVar's aggregate classification.

Literature cited by the submitters: PubMed 37734845 (cited by Myriad Genetics, Inc.); PubMed 39462066 (cited by Myriad Genetics, Inc.).